The following is an entry in ClinVar:

NM_182961.4(SYNE1):c.9289A>G (p.Ile3097Val)

Gene: SYNE1 (spectrin repeat containing nuclear envelope protein 1; minus strand). Cytogenetic location: 6q25.2.
Variant type: single nucleotide variant.
Coding change: c.9289A>G on transcript NM_182961.4 (MANE Select); coding-DNA position 9289, A replaced by G.
Protein change: p.Ile3097Val; replaces isoleucine 3097 with valine.
Molecular consequence: missense variant.
Genome position (GRCh38, 1-based): chr6:152,376,416, T>C on the plus strand (A>G on the coding strand, the complement: SYNE1 is on the minus strand). VCF-style: chr6-152376416-T-C. GRCh37 (hg19) VCF-style: chr6-152697551-T-C.
Other names: c.9310A>G, p.Ile3104Val (NM_033071.5); short protein forms I3097V, I3104V.
Identifiers: ClinVar variation 1494897 (VCV001494897.8), dbSNP rs2154103329, ClinGen allele CA366140927.

ClinVar aggregate classification (germline): Uncertain significance (1 of 4 stars; one submission).

Conditions:
Autosomal recessive ataxia, Beauce type. Also called: SYNE1-Related Autosomal Recessive Cerebellar Ataxia; Spinocerebellar ataxia, autosomal recessive 8; ATAXIA, RECESSIVE, OF BEAUCE; SYNE1 Deficiency. Identifiers: Orphanet 88644, MedGen C1853116, MONDO:0012549, OMIM 610743.
Emery-Dreifuss muscular dystrophy 4, autosomal dominant (EDMD4). Also called: EMERY-DREIFUSS MUSCULAR DYSTROPHY 4 WITH VARIABLE FEATURES. Identifiers: Orphanet 261, MedGen C2751807, MONDO:0013071, OMIM 612998.

gnomAD v4.1: 1 of 1,614,224 alleles (0.000062%); highest among the groups gnomAD compares: Non-Finnish European, 0.000085%; no homozygotes.

Submission:

Labcorp Genetics (formerly Invitae), Labcorp
Classification: Uncertain significance for Emery-Dreifuss muscular dystrophy 4, autosomal dominant; Autosomal recessive ataxia, Beauce type. Last evaluated: 2022-03-18. Review status: criteria provided, single submitter. Criteria: Invitae Variant Classification Sherloc (09022015). Collection method: clinical testing. Allele origin: germline.
Comment: This variant has not been reported in the literature in individuals affected with SYNE1-related conditions. This sequence change replaces isoleucine, which is neutral and non-polar, with valine, which is neutral and non-polar, at codon 3104 of the SYNE1 protein (p.Ile3104Val). This variant is not present in population databases (gnomAD no frequency). Algorithms developed to predict the effect of missense changes on protein structure and function (SIFT, PolyPhen-2, Align-GVGD) all suggest that this variant is likely to be tolerated. Algorithms developed to predict the effect of sequence changes on RNA splicing suggest that this variant may disrupt the consensus splice site. In summary, the available evidence is currently insufficient to determine the role of this variant in disease. Therefore, it has been classified as a Variant of Uncertain Significance.